The following is an entry in ClinVar:

NM_030667.3(PTPRO):c.519G>A (p.Lys173=)

Gene: PTPRO (protein tyrosine phosphatase receptor type O; plus strand). Cytogenetic location: 12p12.3.
Variant type: single nucleotide variant.
Coding change: c.519G>A on transcript NM_030667.3 (MANE Select); coding-DNA position 519, G replaced by A.
Protein change: p.Lys173=; no amino-acid change (lysine 173 retained).
Molecular consequence: synonymous variant.
Genome position (GRCh38, 1-based): chr12:15,499,452, G>A. VCF-style: chr12-15499452-G-A. GRCh37 (hg19) VCF-style: chr12-15652386-G-A.
Other names: c.519G>A, p.Lys173= (NM_002848.4).
Identifiers: ClinVar variation 4992630 (VCV004992630.1).

ClinVar aggregate classification (germline): Likely benign (1 of 4 stars; one submission).

Conditions:
PTPRO-related disorder. Also called: PTPRO-related condition.

Submission:

PreventionGenetics, part of Exact Sciences
Classification: Likely benign for PTPRO-related condition. Last evaluated: 2026-04-17. Review status: criteria provided, single submitter. Criteria: ACMG Guidelines, 2015. Collection method: clinical testing. Allele origin: germline.
Comment: This variant is classified as likely benign based on ACMG/AMP sequence variant interpretation guidelines (Richards et al. 2015 PMID: 25741868, with internal and published modifications).